The following is an entry in ClinVar:

ClinVar aggregate classification (germline): Uncertain significance. Review status: criteria provided, multiple submitters, no conflicts (2 of 4 stars). 3 submissions from 3 submitters: Uncertain significance (3). Last evaluated 2024-12-17.

Conditions:
Familial hemophagocytic lymphohistiocytosis 2 (FHL2). Also called: PRF1-Related Familial Hemophagocytic Lymphohistiocytosis (PRF1-fHLH). Identifiers: Orphanet 540, MedGen C1863727, MONDO:0011337, OMIM 603553.
Lymphoma, non-Hodgkin, familial. Identifiers: MedGen C4721532, MONDO:0011508, OMIM 605027.
Aplastic anemia. Identifiers: Orphanet 182040, Orphanet 88, MedGen C0002874, MONDO:0015909, OMIM 609135, HP:0001915.
Inborn genetic diseases. Identifiers: MedGen C0950123, MeSH D030342.

Allele frequency attached by ClinVar (database versions not stated): ExAC 0.00001; gnomAD exomes 0.00002; gnomAD 0.00003 and 0.00004; TOPMed 0.00005.

Submissions (3):

Ambry Genetics
Classification: Uncertain significance for Inborn genetic diseases. Last evaluated: 2024-12-17. Review status: criteria provided, single submitter. Criteria: Ambry Variant Classification Scheme 2023. Collection method: clinical testing. Allele origin: germline.

Labcorp Genetics (formerly Invitae), Labcorp
Classification: Uncertain significance for Familial hemophagocytic lymphohistiocytosis 2. Last evaluated: 2021-09-02. Review status: criteria provided, single submitter. Criteria: Invitae Variant Classification Sherloc (09022015). Collection method: clinical testing. Allele origin: germline.
Comment: This sequence change replaces histidine with glutamine at codon 190 of the PRF1 protein (p.His190Gln). The histidine residue is moderately conserved and there is a small physicochemical difference between histidine and glutamine. This variant is present in population databases (rs764108625, ExAC 0.002%). This variant has not been reported in the literature in individuals affected with PRF1-related conditions. Algorithms developed to predict the effect of missense changes on protein structure and function output the following: SIFT: "Tolerated"; PolyPhen-2: "Possibly Damaging"; Align-GVGD: "Class C0". The glutamine amino acid residue is found in multiple mammalian species, which suggests that this missense change does not adversely affect protein function. In summary, the available evidence is currently insufficient to determine the role of this variant in disease. Therefore, it has been classified as a Variant of Uncertain Significance.

Department of Pathology and Laboratory Medicine, Sinai Health System
Classification: Uncertain significance for Familial hemophagocytic lymphohistiocytosis 2; Lymphoma, non-Hodgkin, familial; Aplastic anemia. Last evaluated: 2021-07-30. Review status: criteria provided, single submitter. Criteria: ACMG Guidelines, 2015. Collection method: research. Allele origin: germline.

NM_001083116.3(PRF1):c.570C>A (p.His190Gln)

Gene: PRF1 (perforin 1; minus strand). Cytogenetic location: 10q22.1.
Variant type: single nucleotide variant.
Coding change: c.570C>A on transcript NM_001083116.3 (MANE Select); coding-DNA position 570, C replaced by A.
Protein change: p.His190Gln; replaces histidine 190 with glutamine.
Molecular consequence: missense variant.
Genome position (GRCh38, 1-based): chr10:70,599,151, G>T on the plus strand (C>A on the coding strand, the complement: PRF1 is on the minus strand). VCF-style: chr10-70599151-G-T. GRCh37 (hg19) VCF-style: chr10-72358907-G-T.
Other names: c.570C>A, p.His190Gln (NM_005041.6); short protein forms H190Q.
Identifiers: ClinVar variation 572555 (VCV000572555.7), dbSNP rs764108625, ClinGen allele CA5538972.